The following is an entry in ClinVar:

NM_006031.6(PCNT):c.5205A>G (p.Lys1735=)

Gene: PCNT (pericentrin; plus strand). Cytogenetic location: 21q22.3.
Variant type: single nucleotide variant.
Coding change: c.5205A>G on transcript NM_006031.6 (MANE Select); coding-DNA position 5205, A replaced by G.
Protein change: p.Lys1735=; no amino-acid change (lysine 1735 retained).
Molecular consequence: synonymous variant.
Genome position (GRCh38, 1-based): chr21:46,411,278, A>G. VCF-style: chr21-46411278-A-G. GRCh37 (hg19) VCF-style: chr21-47831192-A-G.
Other names: c.4851A>G, p.Lys1617= (NM_001315529.2).
Identifiers: ClinVar variation 3351995 (VCV003351995.1).

ClinVar aggregate classification (germline): Likely benign (0 of 4 stars; one submission).

Conditions:
PCNT-related disorder. Also called: PCNT-related condition.

gnomAD v4.1: 2 of 1,614,116 alleles (0.00012%); highest among the groups gnomAD compares: African/African-American, 0.0013%; no homozygotes.

Submission:

PreventionGenetics, part of Exact Sciences
Classification: Likely benign for PCNT-related condition. Last evaluated: 2024-09-11. Review status: no assertion criteria provided. Collection method: clinical testing. Allele origin: germline.
Comment: This variant is classified as likely benign based on ACMG/AMP sequence variant interpretation guidelines (Richards et al. 2015 PMID: 25741868, with internal and published modifications).